The following is an entry in ClinVar:

ClinVar aggregate classification (germline): Uncertain significance (1 of 4 stars; one submission).

Conditions:
Hereditary sensory neuropathy-deafness-dementia syndrome. Also called: HSN IE; Hereditary Sensory and Autonomic Neuropathy Type 1E (HSAN1E); NEUROPATHY, HEREDITARY SENSORY, WITH HEARING LOSS AND DEMENTIA; Hereditary sensory neuropathy type IE. Identifiers: Orphanet 456318, MedGen C3279885, MONDO:0013584, OMIM 614116.

Allele frequency attached by ClinVar (database versions not stated): gnomAD exomes below 0.00001; TOPMed below 0.00001; ExAC 0.00002.
gnomAD v4.1: 2 of 1,613,898 alleles (0.00012%); highest among the groups gnomAD compares: South Asian, 0.0011%; no homozygotes.

Submission:

Labcorp Genetics (formerly Invitae), Labcorp
Classification: Uncertain significance for Hereditary sensory neuropathy-deafness-dementia syndrome. Last evaluated: 2022-12-02. Review status: criteria provided, single submitter. Criteria: Invitae Variant Classification Sherloc (09022015). Collection method: clinical testing. Allele origin: germline.
Comment: In summary, the available evidence is currently insufficient to determine the role of this variant in disease. Therefore, it has been classified as a Variant of Uncertain Significance. Algorithms developed to predict the effect of missense changes on protein structure and function output the following: SIFT: "Tolerated"; PolyPhen-2: "Benign"; Align-GVGD: "Class C0". The serine amino acid residue is found in multiple mammalian species, which suggests that this missense change does not adversely affect protein function. This variant has not been reported in the literature in individuals affected with DNMT1-related conditions. This variant is present in population databases (rs769726219, gnomAD 0.003%). This sequence change replaces proline, which is neutral and non-polar, with serine, which is neutral and polar, at codon 135 of the DNMT1 protein (p.Pro135Ser).

NM_001130823.3(DNMT1):c.403C>T (p.Pro135Ser)

Gene: DNMT1 (DNA methyltransferase 1; minus strand). Cytogenetic location: 19p13.2.
Variant type: single nucleotide variant.
Coding change: c.403C>T on transcript NM_001130823.3 (MANE Select); coding-DNA position 403, C replaced by T.
Protein change: p.Pro135Ser; replaces proline 135 with serine.
Molecular consequence: missense variant.
Genome position (GRCh38, 1-based): chr19:10,180,392, G>A on the plus strand (C>T on the coding strand, the complement: DNMT1 is on the minus strand). VCF-style: chr19-10180392-G-A. GRCh37 (hg19) VCF-style: chr19-10291068-G-A.
Other names: c.403C>T, p.Pro135Ser (NM_001318730.2, NM_001379.4); c.40C>T, p.Pro14Ser (NM_001318731.2); short protein forms P135S, P14S.
Identifiers: ClinVar variation 3010158 (VCV003010158.3), dbSNP rs769726219, ClinGen allele CA9188765.